The following is an entry in ClinVar:

ClinVar aggregate classification (germline): Likely benign (1 of 4 stars; one submission).

Allele frequency attached by ClinVar (database versions not stated): gnomAD exomes 0.00001; TOPMed 0.00001; gnomAD 0.00002; ExAC 0.00003.
gnomAD v4.1: 15 of 1,210,226 alleles (0.0012%); highest among the groups gnomAD compares: East Asian, 0.03%; no homozygotes.

Submission:

CeGaT Center for Human Genetics Tuebingen
Classification: Likely benign. Last evaluated: 2024-01-01. Review status: criteria provided, single submitter. Criteria: CeGaT Center For Human Genetics Tuebingen Variant Classification Criteria Version 2. Collection method: clinical testing. Allele origin: germline. Affected: yes. Observed: 1 variant allele.
Comment: IQSEC2: BP4, BP7

NM_001111125.3(IQSEC2):c.960G>A (p.Ser320=)

Gene: IQSEC2 (IQ motif and Sec7 domain ArfGEF 2; minus strand). Cytogenetic location: Xp11.22.
Variant type: single nucleotide variant.
Coding change: c.960G>A on transcript NM_001111125.3 (MANE Select); coding-DNA position 960, G replaced by A.
Protein change: p.Ser320=; no amino-acid change (serine 320 retained).
Molecular consequence: synonymous variant.
Genome position (GRCh38, 1-based): chrX:53,255,839, C>T on the plus strand (G>A on the coding strand, the complement: IQSEC2 is on the minus strand). VCF-style: chrX-53255839-C-T. GRCh37 (hg19) VCF-style: chrX-53285021-C-T.
Other names: c.960G>A, p.Ser320= (NM_001410736.1); c.345G>A, p.Ser115= (NM_015075.2).
Identifiers: ClinVar variation 3025183 (VCV003025183.22), dbSNP rs782062867, ClinGen allele CA10420123.
Genomic context (GRCh38, chrX:53,255,839, plus strand): 5'-AACCAGATGCCTCTGTTGCACCTTCTTGTCCTGCAGGTCTGTGGAGAGTTCATAGCTGTC[C>T]GATAGGGCCTTGGAGCGCTTTATCTCCTCCTCCTCCTGCTTCCTCAGGGCGACACTGGCT-3'
Protein context (NP_001104595.1, residues 310-330): EEEIKRSKAL[Ser320=]DSYELSTDLQ